The following is an entry in ClinVar:

NM_015450.3(POT1):c.386A>G (p.Asp129Gly)

Gene: POT1 (protection of telomeres 1; minus strand). Cytogenetic location: 7q31.33.
Variant type: single nucleotide variant.
Coding change: c.386A>G on transcript NM_015450.3 (MANE Select); coding-DNA position 386, A replaced by G.
Protein change: p.Asp129Gly; replaces aspartic acid 129 with glycine.
Molecular consequence: missense variant. On other transcripts: 5 prime UTR variant (1), non-coding transcript variant (3).
Genome position (GRCh38, 1-based): chr7:124,863,510, T>C on the plus strand (A>G on the coding strand, the complement: POT1 is on the minus strand). VCF-style: chr7-124863510-T-C. GRCh37 (hg19) VCF-style: chr7-124503564-T-C.
Other names: c.-8A>G (NM_001042594.2); short protein forms D129G.
Identifiers: ClinVar variation 1054787 (VCV001054787.10), dbSNP rs2116542079, ClinGen allele CA369059635.

ClinVar aggregate classification (germline): Uncertain significance (1 of 4 stars; one submission).

Conditions:
Tumor predisposition syndrome 3 (TPDS3). Also called: Melanoma, cutaneous malignant, susceptibility to, 10; Glioma susceptibility 9; LONG TELOMERE SYNDROME, POT1-RELATED; POT1 Tumor Predisposition. Identifiers: Orphanet 618, MedGen C4014476, MONDO:0014368, OMIM 615848.

Submission:

Labcorp Genetics (formerly Invitae), Labcorp
Classification: Uncertain significance for Tumor predisposition syndrome 3. Last evaluated: 2020-11-06. Review status: criteria provided, single submitter. Criteria: Invitae Variant Classification Sherloc (09022015). Collection method: clinical testing. Allele origin: germline.
Comment: In summary, the available evidence is currently insufficient to determine the role of this variant in disease. Therefore, it has been classified as a Variant of Uncertain Significance. Algorithms developed to predict the effect of missense changes on protein structure and function are either unavailable or do not agree on the potential impact of this missense change (SIFT: "Deleterious"; PolyPhen-2: "Probably Damaging"; Align-GVGD: "Class C0"). This variant has not been reported in the literature in individuals with POT1-related conditions. This variant is not present in population databases (ExAC no frequency). This sequence change replaces aspartic acid with glycine at codon 129 of the POT1 protein (p.Asp129Gly). The aspartic acid residue is moderately conserved and there is a moderate physicochemical difference between aspartic acid and glycine.